The following is an entry in ClinVar:

NM_007327.4(GRIN1):c.394-19G>A

Gene: GRIN1 (glutamate ionotropic receptor NMDA type subunit 1; plus strand). Cytogenetic location: 9q34.3.
Variant type: single nucleotide variant.
Coding change: c.394-19G>A on transcript NM_007327.4 (MANE Select); 19 bases into the intron before coding-DNA position 394, G replaced by A.
Molecular consequence: intron variant.
Genome position (GRCh38, 1-based): chr9:137,145,707, G>A. VCF-style: chr9-137145707-G-A. GRCh37 (hg19) VCF-style: chr9-140040159-G-A.
Other names: c.394-19G>A (NM_001185090.2, NM_001185091.2, NM_021569.4 and 1 more transcripts).
Identifiers: ClinVar variation 387012 (VCV000387012.9), dbSNP rs371244693, ClinGen allele CA5360645.

ClinVar aggregate classification (germline): Benign/Likely benign. Review status: criteria provided, multiple submitters, no conflicts (2 of 4 stars). 2 submissions from 2 submitters: Benign (1); Likely benign (1). Last evaluated 2025-10-28.

Conditions:
Neurodevelopmental disorder with or without hyperkinetic movements and seizures, autosomal dominant. Also called: Intellectual disability, autosomal dominant 8. Identifiers: MedGen C3280282, MONDO:0013655, OMIM 614254.

Allele frequency attached by ClinVar (database versions not stated): gnomAD exomes 0.00011 and 0.00028; gnomAD 0.00021 and 0.00027; ESP Exome Variant Server 0.00023; TOPMed 0.00031; ExAC 0.00032.
gnomAD v4.1: 210 of 1,609,188 alleles (0.013%); highest among the groups gnomAD compares: South Asian, 0.14%; 1 homozygote.

Submissions (2):

Labcorp Genetics (formerly Invitae), Labcorp
Classification: Benign for Neurodevelopmental disorder with or without hyperkinetic movements and seizures, autosomal dominant. Last evaluated: 2025-10-28. Review status: criteria provided, single submitter. Criteria: Invitae Variant Classification Sherloc (09022015). Collection method: clinical testing. Allele origin: germline.

GeneDx
Classification: Likely benign. Last evaluated: 2016-06-16. Review status: criteria provided, single submitter. Criteria: GeneDx Variant Classification (06012015). Collection method: clinical testing. Allele origin: germline. Affected: yes.
Comment: This variant is considered likely benign or benign based on one or more of the following criteria: it is a conservative change, it occurs at a poorly conserved position in the protein, it is predicted to be benign by multiple in silico algorithms, and/or has population frequency not consistent with disease.